The following is an entry in ClinVar:

ClinVar aggregate classification (germline): Uncertain significance (1 of 4 stars; one submission).

Conditions:
Familial focal epilepsy with variable foci (FPEVF). Identifiers: Orphanet 98820, MedGen C1858477, MONDO:0020310.

Submission:

Labcorp Genetics (formerly Invitae), Labcorp
Classification: Uncertain significance for Familial focal epilepsy with variable foci. Last evaluated: 2025-01-14. Review status: criteria provided, single submitter. Criteria: Invitae Variant Classification Sherloc (09022015). Collection method: clinical testing. Allele origin: germline.
Comment: This sequence change replaces threonine, which is neutral and polar, with isoleucine, which is neutral and non-polar, at codon 1280 of the DEPDC5 protein (p.Thr1280Ile). This variant is not present in population databases (gnomAD no frequency). This variant has not been reported in the literature in individuals affected with DEPDC5-related conditions. ClinVar contains an entry for this variant (Variation ID: 2742502). Experimental studies and prediction algorithms are not available or were not evaluated, and the functional significance of this variant is currently unknown. In summary, the available evidence is currently insufficient to determine the role of this variant in disease. Therefore, it has been classified as a Variant of Uncertain Significance.

NM_001242896.3(DEPDC5):c.3839C>T (p.Thr1280Ile)

Gene: DEPDC5 (DEP domain containing 5, GATOR1 subcomplex subunit; plus strand). Cytogenetic location: 22q12.3.
Variant type: single nucleotide variant.
Coding change: c.3839C>T on transcript NM_001242896.3 (MANE Select); coding-DNA position 3839, C replaced by T.
Protein change: p.Thr1280Ile; replaces threonine 1280 with isoleucine.
Molecular consequence: missense variant. On other transcripts: non-coding transcript variant (5).
Genome position (GRCh38, 1-based): chr22:31,879,558, C>T. VCF-style: chr22-31879558-C-T. GRCh37 (hg19) VCF-style: chr22-32275544-C-T.
Other names: c.3812C>T, p.Thr1271Ile (NM_001136029.4); c.3539C>T, p.Thr1180Ile (NM_001242897.2); c.3773C>T, p.Thr1258Ile (NM_001363852.2, NM_001364320.2); c.3605C>T, p.Thr1202Ile (NM_001363854.2, NM_001364319.2); c.3839C>T, p.Thr1280Ile (NM_001364318.2); c.3755C>T, p.Thr1252Ile (NM_001369901.1, NM_001369902.1); c.3746C>T, p.Thr1249Ile (NM_001369903.1, NM_014662.6); short protein forms T1180I, T1202I, T1249I, T1252I, T1258I, T1271I, T1280I.
Identifiers: ClinVar variation 2742502 (VCV002742502.3), dbSNP rs2522686280, ClinGen allele CA411281771.